The following is an entry in ClinVar:

NM_001353694.2(TIAM1):c.1920C>T (p.Leu640=)

Gene: TIAM1 (TIAM Rac1 associated GEF 1; minus strand). Cytogenetic location: 21q22.11.
Variant type: single nucleotide variant.
Coding change: c.1920C>T on transcript NM_001353694.2 (MANE Select); coding-DNA position 1920, C replaced by T.
Protein change: p.Leu640=; no amino-acid change (leucine 640 retained).
Molecular consequence: synonymous variant.
Genome position (GRCh38, 1-based): chr21:31,223,481, G>A on the plus strand (C>T on the coding strand, the complement: TIAM1 is on the minus strand). VCF-style: chr21-31223481-G-A. GRCh37 (hg19) VCF-style: chr21-32595797-G-A.
Other names: c.1920C>T, p.Leu640= (NM_001353686.2, NM_001353687.2, NM_001353688.1 and 6 more transcripts).
Identifiers: ClinVar variation 3056556 (VCV003056556.11), dbSNP rs139346945, ClinGen allele CA9998330.

ClinVar aggregate classification (germline): Likely benign. Review status: criteria provided, multiple submitters, no conflicts (2 of 4 stars). 3 submissions from 3 submitters: Likely benign (2). 1 of the submissions does not count toward it. Last evaluated 2026-06-01.

Conditions:
TIAM1-related disorder. Also called: TIAM1-related condition.

Allele frequency attached by ClinVar (database versions not stated): ESP Exome Variant Server 0.00400; 1000 Genomes Project 30x 0.00281; 1000 Genomes Project 0.00300; TOPMed 0.00369; ExAC 0.00105.
gnomAD v4.1: 944 of 1,613,970 alleles (0.058%); highest among the groups gnomAD compares: African/African-American, 1.1%; 4 homozygotes.

Submissions (3):

CeGaT Center for Human Genetics Tuebingen
Classification: Likely benign. Last evaluated: 2026-06-01. Review status: criteria provided, single submitter. Criteria: CeGaT Center For Human Genetics Tuebingen Variant Classification Criteria Version 2. Collection method: clinical testing. Allele origin: germline. Affected: yes. Observed: 3 variant alleles.
Comment: TIAM1: BP4, BP7, BS1

Blueprint Genetics
Classification: Likely benign. Last evaluated: 2024-07-25. Review status: criteria provided, single submitter. Criteria: ACMG Guidelines, 2015. Collection method: clinical testing. Allele origin: germline.

PreventionGenetics, part of Exact Sciences
Classification: Benign for TIAM1-related condition. Last evaluated: 2024-06-17. Review status: no assertion criteria provided. Collection method: clinical testing. Allele origin: germline. Not counted in ClinVar's aggregate classification.
Comment: This variant is classified as benign based on ACMG/AMP sequence variant interpretation guidelines (Richards et al. 2015 PMID: 25741868, with internal and published modifications).